The following is an entry in ClinVar:

NM_001384732.1(CPLANE1):c.2065T>C (p.Phe689Leu)

Gene: CPLANE1 (ciliogenesis and planar polarity effector complex subunit 1; minus strand). Cytogenetic location: 5p13.2.
Variant type: single nucleotide variant.
Coding change: c.2065T>C on transcript NM_001384732.1 (MANE Select); coding-DNA position 2065, T replaced by C.
Protein change: p.Phe689Leu; replaces phenylalanine 689 with leucine.
Molecular consequence: missense variant.
Genome position (GRCh38, 1-based): chr5:37,226,530, A>G on the plus strand (T>C on the coding strand, the complement: CPLANE1 is on the minus strand). VCF-style: chr5-37226530-A-G. GRCh37 (hg19) VCF-style: chr5-37226632-A-G.
Other names: c.2065T>C, p.Phe689Leu (NM_023073.4); c.2065T>C (NM_023073.3); short protein forms F689L.
Identifiers: ClinVar variation 2062612 (VCV002062612.3), dbSNP rs1034725789, ClinGen allele CA117057433.

ClinVar aggregate classification (germline): Uncertain significance. Review status: criteria provided, multiple submitters, no conflicts (2 of 4 stars). 3 submissions from 3 submitters: Uncertain significance (3). Last evaluated 2024-06-19.

Conditions:
Orofaciodigital syndrome type 6 (OFD6). Also called: OFDS VI; OROFACIODIGITAL SYNDROME VI; POLYDACTYLY, CLEFT LIP/PALATE OR LINGUAL LUMP, AND PSYCHOMOTOR RETARDATION; VARADI SYNDROME; VARADI-PAPP SYNDROME; Oral-facial-digital syndrome type 6. Identifiers: Orphanet 2754, MedGen C2745997, MONDO:0010176, OMIM 277170.
Joubert syndrome 17 (JBTS17). Identifiers: Orphanet 475, MedGen C3553264, MONDO:0013824, OMIM 614615.
Inborn genetic diseases. Identifiers: MedGen C0950123, MeSH D030342.

Allele frequency attached by ClinVar (database versions not stated): gnomAD exomes 0.00001; gnomAD 0.00007; TOPMed 0.00024.
gnomAD v4.1: 22 of 1,548,128 alleles (0.0014%); highest among the groups gnomAD compares: Admixed American, 0.03%; no homozygotes.

Submissions (3):

Fulgent Genetics
Classification: Uncertain significance for Orofaciodigital syndrome type 6; Joubert syndrome 17. Last evaluated: 2024-06-19. Review status: criteria provided, single submitter. Criteria: ACMG Guidelines, 2015. Collection method: clinical testing. Allele origin: germline.

Ambry Genetics
Classification: Uncertain significance for Inborn genetic diseases. Last evaluated: 2022-11-17. Review status: criteria provided, single submitter. Criteria: Ambry Variant Classification Scheme 2023. Collection method: clinical testing. Allele origin: germline.

Labcorp Genetics (formerly Invitae), Labcorp
Classification: Uncertain significance. Last evaluated: 2022-10-13. Review status: criteria provided, single submitter. Criteria: Invitae Variant Classification Sherloc (09022015). Collection method: clinical testing. Allele origin: germline.
Comment: This sequence change replaces phenylalanine, which is neutral and non-polar, with leucine, which is neutral and non-polar, at codon 689 of the CPLANE1 protein (p.Phe689Leu). This variant is not present in population databases (gnomAD no frequency). This variant has not been reported in the literature in individuals affected with CPLANE1-related conditions. Advanced modeling of protein sequence and biophysical properties (such as structural, functional, and spatial information, amino acid conservation, physicochemical variation, residue mobility, and thermodynamic stability) performed at Invitae indicates that this missense variant is not expected to disrupt CPLANE1 protein function. In summary, the available evidence is currently insufficient to determine the role of this variant in disease. Therefore, it has been classified as a Variant of Uncertain Significance.